The following is an entry in ClinVar:

NM_014112.5(TRPS1):c.1631G>A (p.Arg544Gln)

Gene: TRPS1 (transcriptional repressor GATA binding 1; minus strand). Cytogenetic location: 8q23.3.
Variant type: single nucleotide variant.
Coding change: c.1631G>A on transcript NM_014112.5 (MANE Select); coding-DNA position 1631, G replaced by A.
Protein change: p.Arg544Gln; replaces arginine 544 with glutamine.
Molecular consequence: missense variant.
Genome position (GRCh38, 1-based): chr8:115,604,338, C>T on the plus strand (G>A on the coding strand, the complement: TRPS1 is on the minus strand). VCF-style: chr8-115604338-C-T. GRCh37 (hg19) VCF-style: chr8-116616565-C-T.
Other names: c.1604G>A, p.Arg535Gln (NM_001282902.3); c.1610G>A, p.Arg537Gln (NM_001282903.3); c.1592G>A, p.Arg531Gln (NM_001330599.2); short protein forms R531Q, R535Q, R537Q, R544Q.
Identifiers: ClinVar variation 3763599 (VCV003763599.2).

ClinVar aggregate classification (germline): Uncertain significance (1 of 4 stars; one submission).

Conditions:
Trichorhinophalangeal dysplasia type I (TRPS1). Also called: TRICHORHINOPHALANGEAL SYNDROME, TYPE I; TRPS I. Identifiers: Orphanet 77258, MedGen C0432233, MONDO:0008596, OMIM 190350.
Trichorhinophalangeal syndrome, type III (TRPS3). Also called: SUGIO-KAJII SYNDROME. Identifiers: Orphanet 77258, MedGen C1860823, OMIM 190351, MONDO:0008597.

gnomAD v4.1: 11 of 1,613,876 alleles (0.00068%); highest among the groups gnomAD compares: East Asian, 0.013%; no homozygotes.

Submission:

Labcorp Genetics (formerly Invitae), Labcorp
Classification: Uncertain significance for Trichorhinophalangeal syndrome, type III; Trichorhinophalangeal dysplasia type I. Last evaluated: 2024-03-28. Review status: criteria provided, single submitter. Criteria: Invitae Variant Classification Sherloc (09022015). Collection method: clinical testing. Allele origin: germline.
Comment: This sequence change replaces arginine, which is basic and polar, with glutamine, which is neutral and polar, at codon 544 of the TRPS1 protein (p.Arg544Gln). This variant is present in population databases (rs769392409, gnomAD 0.006%). This variant has not been reported in the literature in individuals affected with TRPS1-related conditions. Advanced modeling of protein sequence and biophysical properties (such as structural, functional, and spatial information, amino acid conservation, physicochemical variation, residue mobility, and thermodynamic stability) performed at Invitae indicates that this missense variant is expected to disrupt TRPS1 protein function with a positive predictive value of 80%. In summary, the available evidence is currently insufficient to determine the role of this variant in disease. Therefore, it has been classified as a Variant of Uncertain Significance.